The following is an entry in ClinVar:

NM_182961.4(SYNE1):c.19276A>C (p.Ile6426Leu)

Gene: SYNE1 (spectrin repeat containing nuclear envelope protein 1; minus strand). Cytogenetic location: 6q25.2.
Variant type: single nucleotide variant.
Coding change: c.19276A>C on transcript NM_182961.4 (MANE Select); coding-DNA position 19276, A replaced by C.
Protein change: p.Ile6426Leu; replaces isoleucine 6426 with leucine.
Molecular consequence: missense variant.
Genome position (GRCh38, 1-based): chr6:152,255,074, T>G on the plus strand (A>C on the coding strand, the complement: SYNE1 is on the minus strand). VCF-style: chr6-152255074-T-G. GRCh37 (hg19) VCF-style: chr6-152576209-T-G.
Other names: c.19063A>C, p.Ile6355Leu (NM_033071.5); short protein forms I6426L, I6355L.
Identifiers: ClinVar variation 572020 (VCV000572020.11), dbSNP rs773315032, ClinGen allele CA4054702.

ClinVar aggregate classification (germline): Uncertain significance. Review status: criteria provided, multiple submitters, no conflicts (2 of 4 stars). 3 submissions from 3 submitters: Uncertain significance (3). Last evaluated 2021-08-20.

Conditions:
Emery-Dreifuss muscular dystrophy 4, autosomal dominant (EDMD4). Also called: EMERY-DREIFUSS MUSCULAR DYSTROPHY 4 WITH VARIABLE FEATURES. Identifiers: Orphanet 261, MedGen C2751807, MONDO:0013071, OMIM 612998.
Autosomal recessive ataxia, Beauce type. Also called: SYNE1-Related Autosomal Recessive Cerebellar Ataxia; Spinocerebellar ataxia, autosomal recessive 8; ATAXIA, RECESSIVE, OF BEAUCE; SYNE1 Deficiency. Identifiers: Orphanet 88644, MedGen C1853116, MONDO:0012549, OMIM 610743.

Allele frequency attached by ClinVar (database versions not stated): ExAC 0.00002; gnomAD 0.00002; gnomAD exomes 0.00002 and 0.00004; TOPMed 0.00002.
gnomAD v4.1: 54 of 1,598,870 alleles (0.0034%); highest among the groups gnomAD compares: Non-Finnish European, 0.0044%; no homozygotes.

Submissions (3):

Labcorp Genetics (formerly Invitae), Labcorp
Classification: Uncertain significance for Emery-Dreifuss muscular dystrophy 4, autosomal dominant; Autosomal recessive ataxia, Beauce type. Last evaluated: 2021-08-20. Review status: criteria provided, single submitter. Criteria: Invitae Variant Classification Sherloc (09022015). Collection method: clinical testing. Allele origin: germline.
Comment: This sequence change replaces isoleucine with leucine at codon 6355 of the SYNE1 protein (p.Ile6355Leu). The isoleucine residue is highly conserved and there is a small physicochemical difference between isoleucine and leucine. This variant is present in population databases (rs773315032, ExAC 0.003%). This variant has not been reported in the literature in individuals affected with SYNE1-related conditions. Algorithms developed to predict the effect of missense changes on protein structure and function are either unavailable or do not agree on the potential impact of this missense change (SIFT: "Deleterious"; PolyPhen-2: "Benign"; Align-GVGD: "Class C0"). In summary, the available evidence is currently insufficient to determine the role of this variant in disease. Therefore, it has been classified as a Variant of Uncertain Significance.

Revvity Omics, Revvity
Classification: Uncertain significance. Last evaluated: 2020-10-01. Review status: criteria provided, single submitter. Criteria: ACMG Guidelines, 2015. Collection method: clinical testing. Allele origin: germline.

Athena Diagnostics
Classification: Uncertain significance. Last evaluated: 2019-01-24. Review status: criteria provided, single submitter. Criteria: Athena Diagnostics Criteria. Collection method: clinical testing. Allele origin: germline.